The following is an entry in ClinVar:

NM_000368.5(TSC1):c.3268A>G (p.Met1090Val)

Gene: TSC1 (TSC complex subunit 1; minus strand). Cytogenetic location: 9q34.13.
Variant type: single nucleotide variant.
Coding change: c.3268A>G on transcript NM_000368.5 (MANE Select); coding-DNA position 3268, A replaced by G.
Protein change: p.Met1090Val; replaces methionine 1090 with valine.
Molecular consequence: missense variant.
Genome position (GRCh38, 1-based): chr9:132,896,462, T>C on the plus strand (A>G on the coding strand, the complement: TSC1 is on the minus strand). VCF-style: chr9-132896462-T-C. GRCh37 (hg19) VCF-style: chr9-135771849-T-C.
Other names: c.3265A>G, p.Met1089Val (NM_001162426.2); c.3115A>G, p.Met1039Val (NM_001162427.2); c.2905A>G, p.Met969Val (NM_001362177.2); short protein forms M1089V, M1090V, M969V, M1039V.
Identifiers: ClinVar variation 946182 (VCV000946182.14), dbSNP rs776694051, ClinGen allele CA036285.

ClinVar aggregate classification (germline): Conflicting classifications of pathogenicity. Review status: criteria provided, conflicting classifications (1 of 4 stars). 4 submissions from 4 submitters: Uncertain significance (3); Benign (1). Last evaluated 2025-06-14.

Conditions:
Hereditary cancer-predisposing syndrome. Also called: Neoplastic Syndromes, Hereditary; Hereditary neoplastic syndrome; Hereditary Cancer Syndrome; Tumor predisposition. Identifiers: Orphanet 140162, MedGen C0027672, MeSH D009386, MONDO:0015356.
Tuberous sclerosis 1 (TSC1). Identifiers: Orphanet 805, MedGen C1854465, MONDO:0008612, OMIM 191100.

Allele frequency attached by ClinVar (database versions not stated): gnomAD exomes below 0.00001; ExAC 0.00001; gnomAD 0.00001.

Submissions (4):

Labcorp Genetics (formerly Invitae), Labcorp
Classification: Benign for Tuberous sclerosis 1. Last evaluated: 2025-06-14. Review status: criteria provided, single submitter. Criteria: Invitae Variant Classification Sherloc (09022015). Collection method: clinical testing. Allele origin: germline.

Ambry Genetics
Classification: Uncertain significance for Hereditary cancer-predisposing syndrome. Last evaluated: 2025-06-10. Review status: criteria provided, single submitter. Criteria: Ambry Variant Classification Scheme 2023. Collection method: clinical testing. Allele origin: germline.
Comment: The p.M1090V variant (also known as c.3268A>G), located in coding exon 21 of the TSC1 gene, results from an A to G substitution at nucleotide position 3268. The methionine at codon 1090 is replaced by valine, an amino acid with highly similar properties. This amino acid position is conserved. In addition, the in silico prediction for this alteration is inconclusive. Since supporting evidence is limited at this time, the clinical significance of this alteration remains unclear.

Genome-Nilou Lab
Classification: Uncertain significance for Tuberous sclerosis 1. Last evaluated: 2021-11-07. Review status: criteria provided, single submitter. Criteria: ACMG Guidelines, 2015. Collection method: clinical testing. Allele origin: germline. Affected: no.

GeneDx
Classification: Uncertain significance. Last evaluated: 2020-01-02. Review status: criteria provided, single submitter. Criteria: GeneDx Variant Classification Process June 2021. Collection method: clinical testing. Allele origin: germline. Affected: yes.
Comment: In silico analysis, which includes protein predictors and evolutionary conservation, supports that this variant does not alter protein structure/function; Has not been previously published as pathogenic or benign to our knowledge